The following is an entry in ClinVar:

ClinVar aggregate classification (germline): Uncertain significance (1 of 4 stars; one submission).

Conditions:
Cardiomyopathy (CMYO). Also called: Cardiomyopathies. Identifiers: Orphanet 167848, MedGen C0878544, MONDO:0004994, HP:0001638. Inheritance: Various modes of inheritance.

gnomAD v4.1: 1 of 1,613,930 alleles (0.000062%); no homozygotes.

Submission:

Color Diagnostics, LLC DBA Color Health
Classification: Uncertain significance for Cardiomyopathy. Last evaluated: 2022-12-05. Review status: criteria provided, single submitter. Criteria: ACMG Guidelines, 2015. Collection method: clinical testing. Allele origin: germline.
Comment: This missense variant replaces proline with alanine at codon 72 of the TNNT2 protein. Computational prediction suggests that this variant may have deleterious impact on protein structure and function (internally defined REVEL score threshold >= 0.7, PMID: 27666373). To our knowledge, functional studies have not been reported for this variant. This variant has not been reported in individuals affected with TNNT2-related disorders in the literature. This variant has been identified in 1/250828 chromosomes in the general population by the Genome Aggregation Database (gnomAD). The available evidence is insufficient to determine the role of this variant in disease conclusively. Therefore, this variant is classified as a Variant of Uncertain Significance.

NM_001276345.2(TNNT2):c.244C>G (p.Pro82Ala)

Gene: TNNT2 (troponin T2, cardiac type; minus strand). Cytogenetic location: 1q32.1.
Variant type: single nucleotide variant.
Coding change: c.244C>G on transcript NM_001276345.2 (MANE Select); coding-DNA position 244, C replaced by G.
Protein change: p.Pro82Ala; replaces proline 82 with alanine.
Molecular consequence: missense variant.
Genome position (GRCh38, 1-based): chr1:201,365,660, G>C on the plus strand (C>G on the coding strand, the complement: TNNT2 is on the minus strand). VCF-style: chr1-201365660-G-C. GRCh37 (hg19) VCF-style: chr1-201334788-G-C.
Other names: c.244C>G, p.Pro82Ala (NM_000364.4, NM_001406723.1); c.214C>G, p.Pro72Ala (NM_001001430.3, NM_001001431.3, NM_001276347.2 and 3 more transcripts); c.199C>G, p.Pro67Ala (NM_001001432.3, NM_001406728.1); c.241C>G, p.Pro81Ala (NM_001276346.2); c.211C>G, p.Pro71Ala (NM_001406725.1); short protein forms P72A, P81A, P67A, P71A, P82A.
Identifiers: ClinVar variation 2774638 (VCV002774638.2), dbSNP rs1396260543, ClinGen allele CA344206724.
Genomic context (GRCh38, chr1:201,365,660, plus strand): 5'-CACCGCTTACATCAAAGTCCACTCTCTCTCCATCGGGGATCTTGGGAGGCACCAAGTTGG[G>C]CATGAACGACCTGTTGGAGAGAGGAATAGTCAGCATCAGCCCCATTCTGGACCCAGGGAC-3'
Protein context (NP_001263274.1, residues 72-92): ESKPKPRSFM[Pro82Ala]NLVPPKIPDG